The following is an entry in ClinVar:

NM_001329943.3(KIAA0586):c.2105C>T (p.Thr702Ile)

Gene: KIAA0586 (KIAA0586; plus strand). Cytogenetic location: 14q23.1.
Variant type: single nucleotide variant.
Coding change: c.2105C>T on transcript NM_001329943.3 (MANE Select); coding-DNA position 2105, C replaced by T.
Protein change: p.Thr702Ile; replaces threonine 702 with isoleucine.
Molecular consequence: missense variant.
Genome position (GRCh38, 1-based): chr14:58,465,880, C>T. VCF-style: chr14-58465880-C-T. GRCh37 (hg19) VCF-style: chr14-58932598-C-T.
Other names: c.2264C>T, p.Thr755Ile (NM_001244189.2); c.2060C>T, p.Thr687Ile (NM_001244190.2); c.1850C>T, p.Thr617Ile (NM_001244191.2, NM_001329945.2, NM_001364700.1 and 1 more transcripts); c.1973C>T, p.Thr658Ile (NM_001244192.2); c.1685C>T, p.Thr562Ile (NM_001244193.2); c.2105C>T, p.Thr702Ile (NM_001329944.2, NM_001329946.2, NM_001329947.2); c.1877C>T, p.Thr626Ile (NM_014749.5); short protein forms T658I, T562I, T702I, T755I, T617I, T626I, T687I.
Identifiers: ClinVar variation 2057619 (VCV002057619.4), dbSNP rs1490463064, ClinGen allele CA389873875.

ClinVar aggregate classification (germline): Uncertain significance (1 of 4 stars; one submission).

Conditions:
Short-rib thoracic dysplasia 14 with polydactyly (SRTD14). Identifiers: Orphanet 397715, MedGen C4225286, MONDO:0014688, OMIM 616546.
Joubert syndrome 23 (JBTS23). Identifiers: Orphanet 475, MedGen C4084822, MONDO:0014664, OMIM 616490.

Allele frequency attached by ClinVar (database versions not stated): gnomAD exomes below 0.00001; TOPMed below 0.00001.
gnomAD v4.1: 2 of 1,612,248 alleles (0.00012%); highest among the groups gnomAD compares: South Asian, 0.0011%; no homozygotes.

Submission:

Labcorp Genetics (formerly Invitae), Labcorp
Classification: Uncertain significance for Joubert syndrome 23; Short-rib thoracic dysplasia 14 with polydactyly. Last evaluated: 2022-08-16. Review status: criteria provided, single submitter. Criteria: Invitae Variant Classification Sherloc (09022015). Collection method: clinical testing. Allele origin: germline.
Comment: In summary, the available evidence is currently insufficient to determine the role of this variant in disease. Therefore, it has been classified as a Variant of Uncertain Significance. Algorithms developed to predict the effect of missense changes on protein structure and function (SIFT, PolyPhen-2, Align-GVGD) all suggest that this variant is likely to be tolerated. This variant has not been reported in the literature in individuals affected with KIAA0586-related conditions. This variant is not present in population databases (gnomAD no frequency). This sequence change replaces threonine, which is neutral and polar, with isoleucine, which is neutral and non-polar, at codon 755 of the KIAA0586 protein (p.Thr755Ile).